The following is an entry in ClinVar:

NM_001165963.4(SCN1A):c.2903G>A (p.Cys968Tyr)

Gene: SCN1A (sodium voltage-gated channel alpha subunit 1; minus strand). Cytogenetic location: 2q24.3.
Variant type: single nucleotide variant.
Coding change: c.2903G>A on transcript NM_001165963.4 (MANE Select); coding-DNA position 2903, G replaced by A.
Protein change: p.Cys968Tyr; replaces cysteine 968 with tyrosine.
Molecular consequence: missense variant. On other transcripts: non-coding transcript variant (1).
Genome position (GRCh38, 1-based): chr2:166,037,819, C>T on the plus strand (G>A on the coding strand, the complement: SCN1A is on the minus strand). VCF-style: chr2-166037819-C-T. GRCh37 (hg19) VCF-style: chr2-166894329-C-T.
Other names: c.2819G>A, p.Cys940Tyr (NM_001165964.3, NM_001353957.2, NM_001353958.2); c.2903G>A, p.Cys968Tyr (NM_001202435.3, NM_001353948.2); c.2870G>A, p.Cys957Tyr (NM_001353949.2, NM_001353950.2, NM_001353951.2 and 2 more transcripts); c.2867G>A, p.Cys956Tyr (NM_001353954.2, NM_001353955.2); c.2816G>A, p.Cys939Tyr (NM_001353960.2); c.461G>A, p.Cys154Tyr (NM_001353961.2); short protein forms C154Y, C939Y, C956Y, C957Y, C968Y, C940Y.
Identifiers: ClinVar variation 861214 (VCV000861214.13), dbSNP rs794726823, ClinGen allele CA349060908.

ClinVar aggregate classification (germline): Pathogenic/Likely pathogenic. Review status: criteria provided, multiple submitters, no conflicts (2 of 4 stars). 2 submissions from 2 submitters: Pathogenic (1); Likely pathogenic (1). Last evaluated 2023-09-04.

Conditions:
Developmental and epileptic encephalopathy 6B. Also called: Developmental and epileptic encephalopathy 6B, non-Dravet. Identifiers: MedGen C5543353, MONDO:0030268, OMIM 619317.
Early-infantile DEE. Also called: Early infantile epileptic encephalopathy; Early infantile epileptic encephalopathy with suppression bursts; Ohtahara syndrome. Identifiers: Orphanet 1934, MedGen C0393706, MONDO:0800491.

Submissions (2):

3billion
Classification: Likely pathogenic for Developmental and epileptic encephalopathy 6B. Last evaluated: 2023-09-04. Review status: criteria provided, single submitter. Criteria: ACMG Guidelines, 2015. Collection method: clinical testing. Allele origin: germline. Affected: yes.
Comment: The variant is not observed in the gnomAD v2.1.1 dataset. Predicted Consequence/Location: Missense variant In silico tool predictions suggest damaging effect of the variant on gene or gene product [REVEL: 0.96 (>=0.6, sensitivity 0.68 and specificity 0.92); 3Cnet: 1.00 (>=0.6, sensitivity 0.72 and precision 0.9)]. Same nucleotide change resulting in same amino acid change has been previously reported to be associated with SCN1A related disorder (ClinVar ID: VCV000861214).The variant has been previously reported as assumed (i.e. paternity and maternity not confirmed) de novo in at least one similarly affected unrelated individual (PMID: 27652284). Different missense changes at the same codon (p.Cys968Arg, p.Cys968Gly, p.Cys968Phe, p.Cys968Trp) have been reported as pathogenic/likely pathogenic with strong evidence (ClinVar ID: VCV000189992, VCV001068194 /PMID: 26096185, 27652284, 32090326). Therefore, this variant is classified as Likely pathogenic according to the recommendation of ACMG/AMP guideline.

Labcorp Genetics (formerly Invitae), Labcorp
Classification: Pathogenic for Early-infantile DEE. Last evaluated: 2020-12-02. Review status: criteria provided, single submitter. Criteria: Invitae Variant Classification Sherloc (09022015). Collection method: clinical testing. Allele origin: germline.
Comment: Advanced modeling of protein sequence and biophysical properties (such as structural, functional, and spatial information, amino acid conservation, physicochemical variation, residue mobility, and thermodynamic stability) performed at Invitae indicates that this missense variant is expected to disrupt SCN1A protein function. This variant has been observed in individual(s) with early onset epilepsy (Invitae). In at least one individual the variant was observed to be de novo. ClinVar contains an entry for this variant (Variation ID: 861214). This variant is not present in population databases (ExAC no frequency). This sequence change replaces cysteine with tyrosine at codon 968 of the SCN1A protein (p.Cys968Tyr). The cysteine residue is highly conserved and there is a large physicochemical difference between cysteine and tyrosine. This variant disrupts the p.Cys968 amino acid residue in SCN1A. Other variant(s) that disrupt this residue have been observed in individuals with SCN1A-related conditions (PMID: 27652284), which suggests that this may be a clinically significant amino acid residue. For these reasons, this variant has been classified as Pathogenic.

Literature cited by the submitters: PubMed 27652284 (cited by 3billion and Labcorp Genetics (formerly Invitae), Labcorp); PubMed 26096185 (cited by 3billion).